The following is an entry in ClinVar:

ClinVar aggregate classification (germline): Uncertain significance (1 of 4 stars; one submission).

Conditions:
Melanoma, cutaneous malignant, susceptibility to, 5. Also called: Cutaneous malignant melanoma 5. Identifiers: Orphanet 618, MedGen C2751295, MONDO:0013133, OMIM 613099.

Allele frequency attached by ClinVar (database versions not stated): gnomAD 0.00001.
gnomAD v4.1: 4 of 1,613,196 alleles (0.00025%); highest among the groups gnomAD compares: African/African-American, 0.0027%; no homozygotes.

Submission:

Labcorp Genetics (formerly Invitae), Labcorp
Classification: Uncertain significance for Melanoma, cutaneous malignant, susceptibility to, 5. Last evaluated: 2023-08-17. Review status: criteria provided, single submitter. Criteria: Invitae Variant Classification Sherloc (09022015). Collection method: clinical testing. Allele origin: germline.
Comment: This sequence change replaces isoleucine, which is neutral and non-polar, with methionine, which is neutral and non-polar, at codon 77 of the MC1R protein (p.Ile77Met). This variant is present in population databases (rs200759505, gnomAD 0.01%). This variant has not been reported in the literature in individuals affected with MC1R-related conditions. Advanced modeling of protein sequence and biophysical properties (such as structural, functional, and spatial information, amino acid conservation, physicochemical variation, residue mobility, and thermodynamic stability) performed at Invitae indicates that this missense variant is not expected to disrupt MC1R protein function. In summary, the available evidence is currently insufficient to determine the role of this variant in disease. Therefore, it has been classified as a Variant of Uncertain Significance.

NM_002386.4(MC1R):c.231C>G (p.Ile77Met)

Gene: MC1R (melanocortin 1 receptor; plus strand). Cytogenetic location: 16q24.3.
Variant type: single nucleotide variant.
Coding change: c.231C>G on transcript NM_002386.4 (MANE Select); coding-DNA position 231, C replaced by G.
Protein change: p.Ile77Met; replaces isoleucine 77 with methionine.
Molecular consequence: missense variant.
Genome position (GRCh38, 1-based): chr16:89,919,489, C>G. VCF-style: chr16-89919489-C-G. GRCh37 (hg19) VCF-style: chr16-89985897-C-G.
Other names: short protein forms I77M.
Identifiers: ClinVar variation 2918297 (VCV002918297.3), dbSNP rs200759505, ClinGen allele CA286607444.